The following is an entry in ClinVar:

ClinVar aggregate classification (germline): Uncertain significance (1 of 4 stars; one submission).

gnomAD v4.1: 266 of 1,542,286 alleles (0.017%); highest among the groups gnomAD compares: South Asian, 0.096%; 1 homozygote.

Submission:

Women's Health and Genetics/Laboratory Corporation of America, LabCorp
Classification: Uncertain significance. Last evaluated: 2026-02-11. Review status: criteria provided, single submitter. Criteria: LabCorp Variant Classification Summary - May 2015. Collection method: clinical testing. Allele origin: germline.
Comment: Variant summary: MAN2B2 c.1240G>A (p.Val414Ile) results in a conservative amino acid change in the encoded protein sequence. Algorithms developed to predict the effect of missense changes on protein structure and function are either unavailable or do not agree on the potential impact of this missense change. The variant allele was found at a frequency of 0.0002 in 191044 control chromosomes. This frequency is not significantly higher than estimated for disease-causing variants in MAN2B2, allowing no conclusion about variant significance. To our knowledge, no occurrence of c.1240G>A in individuals affected with MAN2B2-related conditions and no experimental evidence demonstrating its impact on protein function have been reported. The following publication has been ascertained in the context of this evaluation (PMID: 24448499). No submitters have cited clinical-significance assessments for this variant to ClinVar. Based on the evidence outlined above, the variant was classified as uncertain significance.

Literature cited by the submitters: PubMed 24448499.

NM_015274.3(MAN2B2):c.1240G>A (p.Val414Ile)

Gene: MAN2B2 (mannosidase alpha class 2B member 2; plus strand). Cytogenetic location: 4p16.1.
Variant type: single nucleotide variant.
Coding change: c.1240G>A on transcript NM_015274.3 (MANE Select); coding-DNA position 1240, G replaced by A.
Protein change: p.Val414Ile; replaces valine 414 with isoleucine.
Molecular consequence: missense variant.
Genome position (GRCh38, 1-based): chr4:6,597,295, G>A. VCF-style: chr4-6597295-G-A. GRCh37 (hg19) VCF-style: chr4-6599022-G-A.
Other names: c.1087G>A, p.Val363Ile (NM_001292038.2); short protein forms V363I, V414I.
Identifiers: ClinVar variation 4847913 (VCV004847913.1).